The following is an entry in ClinVar:

ClinVar aggregate classification (germline): Uncertain significance. Review status: criteria provided, multiple submitters, no conflicts (2 of 4 stars). 5 submissions from 5 submitters: Uncertain significance (5). Last evaluated 2024-12-16.

Conditions:
Hereditary cancer-predisposing syndrome. Also called: Hereditary Cancer Syndrome; Neoplastic Syndromes, Hereditary; Tumor predisposition; Hereditary neoplastic syndrome. Identifiers: Orphanet 140162, MedGen C0027672, MeSH D009386, MONDO:0015356.
BRCA1-related cancer predisposition. Identifiers: MedGen CN377757, MONDO:0700268.
Hereditary breast ovarian cancer syndrome. Also called: Hereditary breast and ovarian cancer syndrome; Hereditary breast and ovarian cancer; Hereditary breast and ovarian cancer syndrome (HBOC); Breast and ovarian cancer; Hereditary breast and/or ovarian cancer syndrome; BRCA1- and BRCA2-Associated Hereditary Breast and Ovarian Cancer. Identifiers: Orphanet 145, MedGen C0677776, MeSH D061325, MONDO:0003582. Disease mechanism: loss of function.

Allele frequency attached by ClinVar (database versions not stated): gnomAD exomes below 0.00001 and 0.00001; ExAC 0.00001; TOPMed 0.00001.
gnomAD v4.1: 5 of 1,613,712 alleles (0.00031%); highest among the groups gnomAD compares: South Asian, 0.0022%; no homozygotes.

Submissions (5):

Ambry Genetics
Classification: Uncertain significance for Hereditary cancer-predisposing syndrome. Last evaluated: 2024-12-16. Review status: criteria provided, single submitter. Criteria: Ambry Variant Classification Scheme 2023. Collection method: clinical testing. Allele origin: germline.
Comment: The p.E1494G variant (also known as c.4481A>G), located in coding exon 12 of the BRCA1 gene, results from an A to G substitution at nucleotide position 4481. The glutamic acid at codon 1494 is replaced by glycine, an amino acid with similar properties. This amino acid position is poorly conserved in available vertebrate species. In addition, the in silico prediction for this alteration is inconclusive. Based on the available evidence, the clinical significance of this variant remains unclear.

All of Us Research Program, National Institutes of Health
Classification: Uncertain significance for BRCA1-related cancer predisposition. Last evaluated: 2024-05-30. Review status: criteria provided, single submitter. Criteria: ACMG Guidelines, 2015. Collection method: clinical testing. Allele origin: germline. Inheritance: Autosomal dominant inheritance. Observed: 3 variant alleles, 3 heterozygotes.
Comment: This missense variant replaces glutamic acid with glycine at codon 1494 of the BRCA1 protein. Computational prediction suggests that this variant may not impact protein structure and function (internally defined REVEL score threshold <= 0.5, PMID: 27666373). To our knowledge, functional studies have not been reported for this variant. This variant has not been reported in individuals affected with BRCA1-related disorders in the literature. This variant has been identified in 1/251220 chromosomes in the general population by the Genome Aggregation Database (gnomAD). The available evidence is insufficient to determine the role of this variant in disease conclusively. Therefore, this variant is classified as a Variant of Uncertain Significance.

This study involves interpretation of variants in research participants for the purpose of population health screening. Participant phenotype was not available at the time of variant classification. Additional details can be found in publication PMID: 35346344, PMCID: PMC8962531

Color Diagnostics, LLC DBA Color Health
Classification: Uncertain significance for Hereditary cancer-predisposing syndrome. Last evaluated: 2024-05-14. Review status: criteria provided, single submitter. Criteria: ACMG Guidelines, 2015. Collection method: clinical testing. Allele origin: germline.
Comment: This missense variant replaces glutamic acid with glycine at codon 1494 of the BRCA1 protein. Computational prediction suggests that this variant may not impact protein structure and function. To our knowledge, functional studies have not been reported for this variant. This variant has not been reported in individuals affected with BRCA1-related disorders in the literature. This variant has been identified in 1/251220 chromosomes in the general population by the Genome Aggregation Database (gnomAD). The available evidence is insufficient to determine the role of this variant in disease conclusively. Therefore, this variant is classified as a Variant of Uncertain Significance.

Labcorp Genetics (formerly Invitae), Labcorp
Classification: Uncertain significance for Hereditary breast ovarian cancer syndrome. Last evaluated: 2024-02-25. Review status: criteria provided, single submitter. Criteria: Invitae Variant Classification Sherloc (09022015). Collection method: clinical testing. Allele origin: germline.
Comment: This sequence change replaces glutamic acid, which is acidic and polar, with glycine, which is neutral and non-polar, at codon 1494 of the BRCA1 protein (p.Glu1494Gly). This variant is present in population databases (rs758779691, gnomAD 0.003%). This variant has not been reported in the literature in individuals affected with BRCA1-related conditions. ClinVar contains an entry for this variant (Variation ID: 481436). Advanced modeling of protein sequence and biophysical properties (such as structural, functional, and spatial information, amino acid conservation, physicochemical variation, residue mobility, and thermodynamic stability) performed at Invitae indicates that this missense variant is not expected to disrupt BRCA1 protein function with a negative predictive value of 95%. In summary, the available evidence is currently insufficient to determine the role of this variant in disease. Therefore, it has been classified as a Variant of Uncertain Significance.

Women's Health and Genetics/Laboratory Corporation of America, LabCorp
Classification: Uncertain significance. Last evaluated: 2022-11-25. Review status: criteria provided, single submitter. Criteria: LabCorp Variant Classification Summary - May 2015. Collection method: clinical testing. Allele origin: germline.

NM_007294.4(BRCA1):c.4481A>G (p.Glu1494Gly)

Gene: BRCA1 (BRCA1 DNA repair associated; minus strand). Cytogenetic location: 17q21.31.
Variant type: single nucleotide variant.
Coding change: c.4481A>G on transcript NM_007294.4 (MANE Select); coding-DNA position 4481, A replaced by G.
Protein change: p.Glu1494Gly; replaces glutamic acid 1494 with glycine.
Molecular consequence: missense variant. On other transcripts: non-coding transcript variant (1).
Genome position (GRCh38, 1-based): chr17:43,076,491, T>C on the plus strand (A>G on the coding strand, the complement: BRCA1 is on the minus strand). VCF-style: chr17-43076491-T-C. GRCh37 (hg19) VCF-style: chr17-41228508-T-C.
Other names: c.4268A>G, p.Glu1423Gly (NM_001407571.1, NM_001407894.1, NM_001407895.1 and 12 more transcripts); c.4547A>G, p.Glu1516Gly (NM_001407581.1, NM_001407582.1); c.4544A>G, p.Glu1515Gly (NM_001407583.1, NM_001407585.1, NM_001407587.1 and 1 more transcripts); c.4541A>G, p.Glu1514Gly (NM_001407590.1, NM_001407591.1); c.4481A>G, p.Glu1494Gly (NM_001407593.1, NM_001407594.1, NM_001407596.1 and 8 more transcripts); c.4478A>G, p.Glu1493Gly (NM_001407610.1, NM_001407611.1, NM_001407612.1 and 17 more transcripts); c.4475A>G, p.Glu1492Gly (NM_001407627.1, NM_001407628.1, NM_001407629.1 and 14 more transcripts); c.4472A>G, p.Glu1491Gly (NM_001407644.1, NM_001407645.1); and 68 more; short protein forms E1494G, E1447G, E390G, E1515G, E1197G, E1383G, E1423G, E1424G.
Identifiers: ClinVar variation 481436 (VCV000481436.23), dbSNP rs758779691, ClinGen allele CA052333.